The following is an entry in ClinVar:

NM_000548.5(TSC2):c.5068+19_5068+42dup

Gene: TSC2 (TSC complex subunit 2; plus strand). Cytogenetic location: 16p13.3.
Variant type: Duplication.
Coding change: c.5068+19_5068+42dup on transcript NM_000548.5 (MANE Select); bases 19 to 42 of the intron after coding-DNA position 5068, 24 bases duplicated (CTGCAGTGCAGGAAAGGTAGGGCC).
Molecular consequence: intron variant.
Genome position (GRCh38, 1-based): chr16:2,087,960-2,087,983, CTGCAGTGCAGGAAAGGTAGGGCC duplicated; duplicating any 24 consecutive bases within chr16:2,087,955-2,087,983 gives the same sequence; the c. name uses the placement nearest the transcript's 3' end. VCF-style (leftmost placement, unchanged base first): chr16-2087954-G-GGGGCCCTGCAGTGCAGGAAAGGTA. GRCh37 (hg19) VCF-style: chr16-2137955-G-GGGGCCCTGCAGTGCAGGAAAGGTA.
Other names: c.4999+19_4999+42dup (NM_001114382.3); c.4939+19_4939+42dup (NM_021055.3, NM_001370405.1); c.4870+19_4870+42dup (NM_001363528.2); c.4936+19_4936+42dup (NM_001370404.1); c.4867+19_4867+42dup (NM_001077183.3); c.4759+19_4759+42dup (NM_001318827.2); c.4336+19_4336+42dup (NM_001318831.2); c.4723+19_4723+42dup (NM_001318829.2); and 1 more.
Identifiers: ClinVar variation 1390914 (VCV001390914.6), dbSNP rs1567128747, ClinGen allele CA914057099.

ClinVar aggregate classification (germline): Uncertain significance (1 of 4 stars; one submission).

Conditions:
Tuberous sclerosis 2 (TSC2). Identifiers: Orphanet 805, MedGen C1860707, MONDO:0013199, OMIM 613254.

Submission:

Labcorp Genetics (formerly Invitae), Labcorp
Classification: Uncertain significance for Tuberous sclerosis 2. Last evaluated: 2025-03-25. Review status: criteria provided, single submitter. Criteria: Invitae Variant Classification Sherloc (09022015). Collection method: clinical testing. Allele origin: germline.
Comment: This sequence change falls in intron 39 of the TSC2 gene. It does not directly change the encoded amino acid sequence of the TSC2 protein. This variant is not present in population databases (gnomAD no frequency). This variant has not been reported in the literature in individuals affected with TSC2-related conditions. ClinVar contains an entry for this variant (Variation ID: 1390914). In summary, the available evidence is currently insufficient to determine the role of this variant in disease. Therefore, it has been classified as a Variant of Uncertain Significance.